The following is an entry in ClinVar:

NM_001242896.3(DEPDC5):c.3169CAG[1] (p.Gln1058del)

Gene: DEPDC5 (DEP domain containing 5, GATOR1 subcomplex subunit; plus strand). Cytogenetic location: 22q12.3.
Variant type: Microsatellite.
Coding change: c.3169CAG[1] on transcript NM_001242896.3 (MANE Select); one copy of the 3-base unit CAG starting at c.3169; the reference has two copies in a row; one copy, 3 bases deleted; also written c.3172_3174del.
Protein change: p.Gln1058del; deletes glutamine 1058.
Molecular consequence: inframe deletion. On other transcripts: non-coding transcript variant (5).
Genome position (GRCh38, 1-based): chr22:31,857,461-31,857,463, CAG deleted; deleting any 3 consecutive bases within chr22:31,857,458-31,857,463 gives the same sequence; the position shown is the placement nearest the transcript's 3' end. VCF-style (leftmost placement, unchanged base first): chr22-31857457-ACAG-A. GRCh37 (hg19) VCF-style: chr22-32253443-ACAG-A.
Other names: c.3172_3174del (NM_001242896.3); c.3142CAG[1], p.Gln1049del (NM_001136029.4, NM_001369903.1, NM_014662.6); c.2935CAG[1], p.Gln980del (NM_001242897.2, NM_001363854.2, NM_001364319.2); c.3169CAG[1], p.Gln1058del (NM_001363852.2, NM_001364318.2, NM_001364320.2); c.3085CAG[1], p.Gln1030del (NM_001369901.1, NM_001369902.1); short protein forms Q1030del, Q1049del, Q1058del, Q980del.
Identifiers: ClinVar variation 1687441 (VCV001687441.6), dbSNP rs2149117083, ClinGen allele CA514267759.

ClinVar aggregate classification (germline): Uncertain significance. Review status: criteria provided, multiple submitters, no conflicts (2 of 4 stars). 2 submissions from 2 submitters: Uncertain significance (2). Last evaluated 2025-09-15.

Conditions:
Familial focal epilepsy with variable foci (FPEVF). Identifiers: Orphanet 98820, MedGen C1858477, MONDO:0020310.
Epilepsy, familial focal, with variable foci 1 (FFEVF1). Also called: DEPDC5-Related Epilepsy. Identifiers: MedGen C4551983, MONDO:0024556, OMIM 604364.

Submissions (2):

Labcorp Genetics (formerly Invitae), Labcorp
Classification: Uncertain significance for Familial focal epilepsy with variable foci. Last evaluated: 2025-09-15. Review status: criteria provided, single submitter. Criteria: Invitae Variant Classification Sherloc (09022015). Collection method: clinical testing. Allele origin: germline.
Comment: This variant, c.3172_3174del, results in the deletion of 1 amino acid(s) of the DEPDC5 protein (p.Gln1058del), but otherwise preserves the integrity of the reading frame. This variant is not present in population databases (gnomAD no frequency). This variant has not been reported in the literature in individuals affected with DEPDC5-related conditions. Experimental studies and prediction algorithms are not available or were not evaluated, and the functional significance of this variant is currently unknown. In summary, the available evidence is currently insufficient to determine the role of this variant in disease. Therefore, it has been classified as a Variant of Uncertain Significance.

3billion
Classification: Uncertain significance for Epilepsy, familial focal, with variable foci 1. Last evaluated: 2022-05-22. Review status: criteria provided, single submitter. Criteria: ACMG Guidelines, 2015. Collection method: clinical testing. Allele origin: germline. Affected: yes. Observed: 1 heterozygote.
Comment: The variant is not observed in the gnomAD v2.1.1 dataset. Inframe deletion located in a nonrepeat region: predicted to change the length of the protein and disrupt normal protein function. Therefore, this variant is classified as uncertain significanceaccording to the recommendation of ACMG/AMP guideline.